The following is an entry in ClinVar:

NM_001018005.2(TPM1):c.64G>A (p.Ala22Thr)

Gene: TPM1 (tropomyosin 1; plus strand). Cytogenetic location: 15q22.2.
Variant type: single nucleotide variant.
Coding change: c.64G>A on transcript NM_001018005.2 (MANE Select); coding-DNA position 64, G replaced by A.
Protein change: p.Ala22Thr; replaces alanine 22 with threonine.
Molecular consequence: missense variant.
Genome position (GRCh38, 1-based): chr15:63,042,893, G>A. VCF-style: chr15-63042893-G-A. GRCh37 (hg19) VCF-style: chr15-63335092-G-A.
Other names: p.A22T:GCT>ACT; c.64G>A, p.Ala22Thr (NM_000366.6, NM_001018004.2, NM_001018006.2 and 7 more transcripts); short protein forms A22T.
Identifiers: ClinVar variation 43432 (VCV000043432.32), dbSNP rs397516382, ClinGen allele CA018249.

ClinVar aggregate classification (germline): Conflicting classifications of pathogenicity. Review status: criteria provided, conflicting classifications (1 of 4 stars). 9 submissions from 9 submitters: Likely pathogenic (7); Uncertain significance (2). Last evaluated 2026-01-12.

Conditions:
TPM1-related disorder. Also called: TPM1-related condition.
Cardiovascular phenotype. Identifiers: MedGen CN230736.
Cardiomyopathy (CMYO). Also called: Cardiomyopathies. Identifiers: Orphanet 167848, MedGen C0878544, MONDO:0004994, HP:0001638. Inheritance: Various modes of inheritance.
Hypertrophic cardiomyopathy 3. Also called: TPM1-Related Familial Hypertrophic Cardiomyopathy. Identifiers: MedGen C1861863, MONDO:0007267, OMIM 115196.
Hypertrophic cardiomyopathy. Also called: HYPERTROPHIC MYOCARDIOPATHY. Identifiers: Orphanet 217569, MedGen C0007194, MeSH D002312, MONDO:0005045, HP:0001639.

Allele frequency attached by ClinVar (database versions not stated): gnomAD exomes below 0.00001 and 0.00001; ExAC 0.00001; gnomAD 0.00001; TOPMed 0.00001; 1000 Genomes Project 30x 0.00016; 1000 Genomes Project 0.00020.
gnomAD v4.1: 3 of 1,612,694 alleles (0.00019%); highest among the groups gnomAD compares: African/African-American, 0.0027%; no homozygotes.

Submissions (9):

Dasa
Classification: Likely pathogenic. Last evaluated: 2026-01-12. Review status: criteria provided, single submitter. Criteria: DASA Assertion Criteria. Collection method: clinical testing. Allele origin: germline.
Comment: NM_001018005.2(TPM1):c.64G>A (p.Ala22Thr) is a missense variant that results in the substitution of alanine with threonine. This variant has been reported in individuals with TPM1-related disorders (PMID: 22112859). Segregation data support an association with disease in the reported family/families (PMID: 22112859). Also, this variant is rare in population databases. Computational evidence supports a deleterious effect. Based on the currently available evidence, this variant is classified as likely pathogenic.

Labcorp Genetics (formerly Invitae), Labcorp
Classification: Likely pathogenic for Hypertrophic cardiomyopathy. Last evaluated: 2026-01-12. Review status: criteria provided, single submitter. Criteria: Invitae Variant Classification Sherloc (09022015). Collection method: clinical testing. Allele origin: germline.
Comment: This sequence change replaces alanine, which is neutral and non-polar, with threonine, which is neutral and polar, at codon 22 of the TPM1 protein (p.Ala22Thr). This variant is present in population databases (rs397516382, gnomAD 0.007%). This missense change has been observed in individuals with hypertrophic cardiomyopathy (PMID: 22112859, 25524337, 27532257, 37652022; internal data). It has also been observed to segregate with disease in related individuals. ClinVar contains an entry for this variant (Variation ID: 43432). An algorithm developed to predict the effect of missense changes on protein structure and function (PolyPhen-2) suggests that this variant is likely to be disruptive. In summary, the currently available evidence indicates that the variant is pathogenic, but additional data are needed to prove that conclusively. Therefore, this variant has been classified as Likely Pathogenic.

Ambry Genetics
Classification: Likely pathogenic for Cardiovascular phenotype. Last evaluated: 2026-01-05. Review status: criteria provided, single submitter. Criteria: Ambry Variant Classification Scheme 2023. Collection method: clinical testing. Allele origin: germline.
Comment: The c.64G>A (p.A22T) alteration is located in exon 1 (coding exon 1) of the TPM1 gene. This alteration results from a G to A substitution at nucleotide position 64, causing the alanine (A) at amino acid position 22 to be replaced by a threonine (T). Based on data from gnomAD, the A allele has an overall frequency of 0.001% (2/246308) total alleles studied. The highest observed frequency was 0.006% (1/15794) of African alleles. This variant was identified in one or more individuals with features consistent with hypertrophic cardiomyopathy (HCM) and segregated with disease in at least one family (Otsuka, 2012; Coppini, 2014; Alfares, 2015; Ambry internal data). This amino acid position is highly conserved in available vertebrate species. This missense alteration is located in a region that has a low rate of benign missense variation (Lek, 2016; Firth, 2009). This alteration is predicted to be deleterious by in silico analysis. Based on the available evidence, this alteration is classified as likely pathogenic.

3billion
Classification: Likely pathogenic for Hypertrophic cardiomyopathy 3. Last evaluated: 2025-11-10. Review status: criteria provided, single submitter. Criteria: ACMG Guidelines, 2015. Collection method: clinical testing. Allele origin: germline. Affected: yes.
Comment: The variant is observed at an extremely low frequency in the gnomAD v4.1.0 dataset (total allele frequency: <0.001%). Predicted Consequence/Location: Missense variant In silico tool predictions suggest damaging effect of the variant on gene or gene product [REVEL: 0.82 (>=0.6, sensitivity 0.68 and specificity 0.92)]. The same nucleotide change resulting in the same amino acid change has been previously reported as pathogenic/likely pathogenic with strong evidence (ClinVar ID: VCV000043432 /PMID: 22112859 /3billion dataset). The variant has been observed in at least two similarly affected unrelated individuals (3billion dataset). Therefore, this variant is classified as Likely pathogenic according to the recommendation of ACMG/AMP guideline.

GeneDx
Classification: Likely pathogenic. Last evaluated: 2025-07-15. Review status: criteria provided, single submitter. Criteria: GeneDx Variant Classification Process June 2021. Collection method: clinical testing. Allele origin: germline. Affected: yes.
Comment: Identified in patients with HCM referred for genetic testing at GeneDx and in published literature and segregated with disease in two individuals from one family (PMID: 22112859, 25524337, 25611685, 37652022); Not observed at significant frequency in large population cohorts (gnomAD); In silico analysis supports that this missense variant has a deleterious effect on protein structure/function; This variant is associated with the following publications: (PMID: 25524337, 27532257, 25611685, 22112859, 37652022)

Blueprint Genetics
Classification: Likely pathogenic for TPM1-related disorders. Last evaluated: 2023-01-17. Review status: criteria provided, single submitter. Criteria: ACMG Guidelines, 2015. Collection method: clinical testing. Allele origin: germline. Affected: yes. Observed: 1 variant allele.

Laboratory for Molecular Medicine, Mass General Brigham Personalized Medicine
Classification: Uncertain significance. Last evaluated: 2018-03-06. Review status: criteria provided, single submitter. Criteria: LMM Criteria. Collection method: clinical testing. Allele origin: germline. Observed: 3 variant alleles.
Comment: Variant classified as Uncertain Significance - Favor Pathogenic. The p.Ala22Thr variant in TPM1 has been reported in 4 individuals with clinical features of HCM and segregated with disease in one affected relative (Otsuka 2012, Walsh 2016, Schymanski 2017). This variant has also been reported in ClinVar (Variation ID 4 3432) and has been identified in 1/14848 African chromosomes by the Genome Aggre gation Database (gnomAD; dbSNP rs397516382). A lanine (Ala) at position 22 is highly conserved in mammals and across evolutiona rily distant species, and the change to threonine (Thr) was predicted to be path ogenic using a computational tool clinically validated by our laboratory. This t ool's pathogenic prediction is estimated to be correct 94% of the time (Jordan 2 011). In summary, while there is some suspicion for a pathogenic role, the clini cal significance of the p.Ala22Thr variant is uncertain. ACMG/AMP Criteria appli ed: PM2; PP3; PS4_Supporting.

CHEO Genetics Diagnostic Laboratory, Children's Hospital of Eastern Ontario
Classification: Uncertain significance for Cardiomyopathy. Last evaluated: 2018-02-13. Review status: criteria provided, single submitter. Criteria: ACMG Guidelines, 2015. Collection method: clinical testing. Allele origin: germline.

Stanford Center for Inherited Cardiovascular Disease, Stanford University
Classification: Likely pathogenic. Last evaluated: 2014-07-16. Review status: criteria provided, single submitter. Criteria: ACMG Guidelines, 2015. Collection method: provider interpretation. Allele origin: germline.

Literature cited by the submitters: PubMed 22112859 (cited by 5 submitters); PubMed 25524337 (cited by Labcorp Genetics (formerly Invitae), Labcorp and Ambry Genetics); PubMed 27532257 (cited by Labcorp Genetics (formerly Invitae), Labcorp and Laboratory for Molecular Medicine, Mass General Brigham Personalized Medicine); PubMed 37652022 (cited by Labcorp Genetics (formerly Invitae), Labcorp); PubMed 25611685 (cited by Ambry Genetics).